The following is an entry in ClinVar:

NM_004924.6(ACTN4):c.797A>G (p.His266Arg)

Gene: ACTN4 (actinin alpha 4; plus strand). Cytogenetic location: 19q13.2.
Variant type: single nucleotide variant.
Coding change: c.797A>G on transcript NM_004924.6 (MANE Select); coding-DNA position 797, A replaced by G.
Protein change: p.His266Arg; replaces histidine 266 with arginine.
Molecular consequence: missense variant. On other transcripts: intron variant (2).
Genome position (GRCh38, 1-based): chr19:38,710,320, A>G. VCF-style: chr19-38710320-A-G. GRCh37 (hg19) VCF-style: chr19-39200960-A-G.
Other names: c.733+844A>G (NM_001411143.1, NM_001322033.2); short protein forms H266R.
Identifiers: ClinVar variation 3583793 (VCV003583793.3).

ClinVar aggregate classification (germline): Uncertain significance. Review status: criteria provided, multiple submitters, no conflicts (2 of 4 stars). 2 submissions from 2 submitters: Uncertain significance (2). Last evaluated 2025-06-12.

Conditions:
Focal segmental glomerulosclerosis 1 (FSGS1). Identifiers: Orphanet 656, MedGen C4551527, MONDO:0011303, OMIM 603278.

Submissions (2):

Labcorp Genetics (formerly Invitae), Labcorp
Classification: Uncertain significance. Last evaluated: 2025-06-12. Review status: criteria provided, single submitter. Criteria: Invitae Variant Classification Sherloc (09022015). Collection method: clinical testing. Allele origin: germline.
Comment: This sequence change replaces histidine, which is basic and polar, with arginine, which is basic and polar, at codon 266 of the ACTN4 protein (p.His266Arg). This variant is not present in population databases (gnomAD no frequency). This variant has not been reported in the literature in individuals affected with ACTN4-related conditions. ClinVar contains an entry for this variant (Variation ID: 3583793). Invitae Evidence Modeling of protein sequence and biophysical properties (such as structural, functional, and spatial information, amino acid conservation, physicochemical variation, residue mobility, and thermodynamic stability) indicates that this missense variant is expected to disrupt ACTN4 protein function with a positive predictive value of 80%. In summary, the available evidence is currently insufficient to determine the role of this variant in disease. Therefore, it has been classified as a Variant of Uncertain Significance.

Fulgent Genetics
Classification: Uncertain significance for Focal segmental glomerulosclerosis 1. Last evaluated: 2024-06-18. Review status: criteria provided, single submitter. Criteria: ACMG Guidelines, 2015. Collection method: clinical testing. Allele origin: germline.